The following is an entry in ClinVar:

NM_007194.4(CHEK2):c.1096-8A>T

Gene: CHEK2 (checkpoint kinase 2; minus strand). Cytogenetic location: 22q12.1.
Variant type: single nucleotide variant.
Coding change: c.1096-8A>T on transcript NM_007194.4 (MANE Select); 8 bases into the intron before coding-DNA position 1096, A replaced by T.
Molecular consequence: intron variant.
Genome position (GRCh38, 1-based): chr22:28,695,881, T>A on the plus strand (A>T on the coding strand, the complement: CHEK2 is on the minus strand). VCF-style: chr22-28695881-T-A. GRCh37 (hg19) VCF-style: chr22-29091869-T-A.
Other names: c.433-8A>T (NM_001437942.1, NM_001257387.3); c.895-8A>T (NM_001349956.3); c.1009-8A>T (NM_145862.3); c.1102-8A>T (NM_001438295.1); c.1189-8A>T (NM_001438293.1); c.1138-8A>T (NM_001438294.1); c.1225-8A>T (NM_001005735.3).
Identifiers: ClinVar variation 2124995 (VCV002124995.5), dbSNP rs2145807505, ClinGen allele CA2580099540.

ClinVar aggregate classification (germline): Likely benign. Review status: criteria provided, multiple submitters, no conflicts (2 of 4 stars). 2 submissions from 2 submitters: Likely benign (2). Last evaluated 2024-10-04.

Conditions:
Familial cancer of breast. Also called: hereditary breast carcinoma; BREAST CANCER, FAMILIAL; Hereditary breast cancer. Identifiers: Orphanet 227535, MedGen C0346153, MONDO:0016419, OMIM 114480. Disease mechanism: loss of function.

Submissions (2):

Myriad Genetics, Inc.
Classification: Likely benign for Familial cancer of breast. Last evaluated: 2024-10-04. Review status: criteria provided, single submitter. Criteria: Myriad Autosomal Dominant, Autosomal Recessive and X-Linked Classification Criteria (2023). Collection method: clinical testing. Allele origin: unknown.
Comment: This variant is considered likely benign. This variant is intronic and is not expected to impact mRNA splicing.

Labcorp Genetics (formerly Invitae), Labcorp
Classification: Likely benign for Familial cancer of breast. Last evaluated: 2022-05-25. Review status: criteria provided, single submitter. Criteria: Invitae Variant Classification Sherloc (09022015). Collection method: clinical testing. Allele origin: germline.